The following is an entry in ClinVar:

ClinVar aggregate classification (germline): Likely benign (1 of 4 stars; one submission).

Conditions:
Xeroderma pigmentosum variant type. Also called: POLH-Related Xeroderma Pigmentosum; PHOTOSENSITIVITY WITH DEFECTIVE DNA SYNTHESIS; XERODERMA PIGMENTOSUM WITH NORMAL DNA REPAIR RATES. Identifiers: Orphanet 90342, MedGen C1848410, MONDO:0010214, OMIM 278750.

Allele frequency attached by ClinVar (database versions not stated): gnomAD 0.00146 and 0.00153; TOPMed 0.00154; 1000 Genomes Project 30x 0.00219; 1000 Genomes Project 0.00220.

Submission:

Illumina Laboratory Services, Illumina
Classification: Likely benign for Xeroderma pigmentosum variant type. Last evaluated: 2018-01-12. Review status: criteria provided, single submitter. Criteria: ICSL Variant Classification Criteria 13 December 2019. Collection method: clinical testing. Allele origin: germline.
Comment: This variant was observed in the ICSL laboratory as part of a predisposition screen in an ostensibly healthy population. It had not been previously curated by ICSL or reported in the Human Gene Mutation Database (HGMD: prior to June 1st, 2018), and was therefore a candidate for classification through an automated scoring system. Utilizing variant allele frequency, disease prevalence and penetrance estimates, and inheritance mode, an automated score was calculated to assess if this variant is too frequent to cause the disease. Based on the score and internal cut-off values, a variant classified as likely benign is not then subjected to further curation. The score for this variant resulted in a classification of likely benign for this disease.

NM_006502.3(POLH):c.*998A>G

Gene: POLH (DNA polymerase eta; plus strand). Cytogenetic location: 6p21.1.
Variant type: single nucleotide variant.
Coding change: c.*998A>G on transcript NM_006502.3 (MANE Select); 998 bases downstream of the stop codon, A replaced by G.
Molecular consequence: 3 prime UTR variant.
Genome position (GRCh38, 1-based): chr6:43,615,555, A>G. VCF-style: chr6-43615555-A-G. GRCh37 (hg19) VCF-style: chr6-43583292-A-G.
Other names: c.*998A>G (NM_001291969.2); c.*1824A>G (NM_001291970.2).
Identifiers: ClinVar variation 356931 (VCV000356931.7), dbSNP rs550215250, ClinGen allele CA10622162.